The following is an entry in ClinVar:

NM_206933.4(USH2A):c.9974G>A (p.Gly3325Glu)

Gene: USH2A (usherin; minus strand). Cytogenetic location: 1q41.
Variant type: single nucleotide variant.
Coding change: c.9974G>A on transcript NM_206933.4 (MANE Select); coding-DNA position 9974, G replaced by A.
Protein change: p.Gly3325Glu; replaces glycine 3325 with glutamic acid.
Molecular consequence: missense variant.
Genome position (GRCh38, 1-based): chr1:215,790,267, C>T on the plus strand (G>A on the coding strand, the complement: USH2A is on the minus strand). VCF-style: chr1-215790267-C-T. GRCh37 (hg19) VCF-style: chr1-215963609-C-T.
Other names: short protein forms G3325E.
Identifiers: ClinVar variation 1005890 (VCV001005890.7), dbSNP rs1378786390, ClinGen allele CA344844838.
Genomic context (GRCh38, chr1:215,790,267, plus strand): 5'-TTAGACTCTCCACTGGAAGCTGAGCAGCATATGGTATCTGACATATTCACATAATCCTGC[C>T]CACAACAGAACATACCTGCAACAATAAAATGTTATATATGAATATGAAATAGAAAAAGGG-3'
Protein context (NP_996816.3, residues 3315-3335): YNRLPGMFCC[Gly3325Glu]QDYVNMSDTI

ClinVar aggregate classification (germline): Uncertain significance. Review status: criteria provided, multiple submitters, no conflicts (2 of 4 stars). 4 submissions from 3 submitters: Uncertain significance (4). Last evaluated 2023-11-04.

Conditions:
Retinitis pigmentosa 39 (RP39). Identifiers: Orphanet 791, MedGen C3151138, MONDO:0013436, OMIM 613809.
Usher syndrome type 2A. Also called: RETINAL DISEASE IN USHER SYNDROME TYPE IIA, MODIFIER OF; USHER SYNDROME, TYPE IIA. Identifiers: Orphanet 231178, Orphanet 886, MedGen C1848634, MONDO:0010169, OMIM 276901.

Allele frequency attached by ClinVar (database versions not stated): TOPMed below 0.00001; gnomAD 0.00001; gnomAD exomes 0.00001.
gnomAD v4.1: 10 of 1,613,648 alleles (0.00062%); highest among the groups gnomAD compares: Non-Finnish European, 0.00085%; no homozygotes.

Submissions (4):

Genome-Nilou Lab
Classification: Uncertain significance for Retinitis pigmentosa 39. Last evaluated: 2023-11-04. Review status: criteria provided, single submitter. Criteria: ACMG Guidelines, 2015. Collection method: clinical testing. Allele origin: germline. Affected: no.

Genome-Nilou Lab
Classification: Uncertain significance for Usher syndrome type 2A. Last evaluated: 2023-11-04. Review status: criteria provided, single submitter. Criteria: ACMG Guidelines, 2015. Collection method: clinical testing. Allele origin: germline. Affected: no.

Women's Health and Genetics/Laboratory Corporation of America, LabCorp
Classification: Uncertain significance. Last evaluated: 2023-09-29. Review status: criteria provided, single submitter. Criteria: LabCorp Variant Classification Summary - May 2015. Collection method: clinical testing. Allele origin: germline.
Comment: Variant summary: USH2A c.9974G>A (p.Gly3325Glu) results in a non-conservative amino acid change located in the Fibronectin type III domain (IPR003961) of the encoded protein sequence. Four of five in-silico tools predict a damaging effect of the variant on protein function. The variant was absent in 250644 control chromosomes (gnomAD). The available data on variant occurrences in the general population are insufficient to allow any conclusion about variant significance. c.9974G>A has been reported in the literature in a confirmed compound heterozygous individual (with exons 10-14del in trans) affected with rod-cone dystrophy or retinitis pigmentosa (example: Ellingford_2018). To our knowledge, no experimental evidence demonstrating an impact on protein function has been reported. The following publications have been ascertained in the context of this evaluation (PMID: 29074561, 32176120). One submitter has cited clinical-significance assessments for this variant to ClinVar after 2014 and has classified the variant as uncertain significance. Based on the evidence outlined above, the variant was classified as uncertain significance.

Labcorp Genetics (formerly Invitae), Labcorp
Classification: Uncertain significance. Last evaluated: 2021-08-26. Review status: criteria provided, single submitter. Criteria: Invitae Variant Classification Sherloc (09022015). Collection method: clinical testing. Allele origin: germline.
Comment: This sequence change replaces glycine with glutamic acid at codon 3325 of the USH2A protein (p.Gly3325Glu). The glycine residue is highly conserved and there is a moderate physicochemical difference between glycine and glutamic acid. This variant is not present in population databases (ExAC no frequency). This variant has not been reported in the literature in individuals affected with USH2A-related conditions. Algorithms developed to predict the effect of missense changes on protein structure and function (SIFT, PolyPhen-2, Align-GVGD) all suggest that this variant is likely to be disruptive. In summary, the available evidence is currently insufficient to determine the role of this variant in disease. Therefore, it has been classified as a Variant of Uncertain Significance.

Literature cited by the submitters: PubMed 32176120 (cited by Women's Health and Genetics/Laboratory Corporation of America, LabCorp); PubMed 29074561 (cited by Women's Health and Genetics/Laboratory Corporation of America, LabCorp).